The following is an entry in ClinVar:

ClinVar aggregate classification (germline): Uncertain significance (1 of 4 stars; one submission).

Submission:

GeneDx
Classification: Uncertain significance. Last evaluated: 2025-01-31. Review status: criteria provided, single submitter. Criteria: GeneDx Variant Classification Process June 2021. Collection method: clinical testing. Allele origin: germline. Affected: yes.
Comment: Not observed at significant frequency in large population cohorts (gnomAD); In silico analysis supports that this missense variant has a deleterious effect on protein structure/function; Has not been previously published as pathogenic or benign to our knowledge

NM_002742.3(PRKD1):c.1823A>G (p.Asp608Gly)

Gene: PRKD1 (protein kinase D1; minus strand). Cytogenetic location: 14q12.
Variant type: single nucleotide variant.
Coding change: c.1823A>G on transcript NM_002742.3 (MANE Select); coding-DNA position 1823, A replaced by G.
Protein change: p.Asp608Gly; replaces aspartic acid 608 with glycine.
Molecular consequence: missense variant.
Genome position (GRCh38, 1-based): chr14:29,624,234, T>C on the plus strand (A>G on the coding strand, the complement: PRKD1 is on the minus strand). VCF-style: chr14-29624234-T-C. GRCh37 (hg19) VCF-style: chr14-30093440-T-C.
Other names: c.1847A>G, p.Asp616Gly (NM_001330069.2); c.1559A>G, p.Asp520Gly (NM_001348390.1); short protein forms D520G, D608G, D616G.
Identifiers: ClinVar variation 4072634 (VCV004072634.1).